The following is an entry in ClinVar:

ClinVar aggregate classification (germline): Uncertain significance. Review status: criteria provided, multiple submitters, no conflicts (2 of 4 stars). 2 submissions from 2 submitters: Uncertain significance (2). Last evaluated 2023-11-07.

Allele frequency attached by ClinVar (database versions not stated): ExAC 0.00002; gnomAD exomes 0.00002.
gnomAD v4.1: 9 of 1,613,902 alleles (0.00056%); highest among the groups gnomAD compares: Non-Finnish European, 0.00068%; no homozygotes.

Submissions (2):

Mayo Clinic Laboratories, Mayo Clinic
Classification: Uncertain significance. Last evaluated: 2023-11-07. Review status: criteria provided, single submitter. Criteria: ACMG Guidelines, 2015. Collection method: clinical testing. Allele origin: germline. Observed: 1 variant allele.

GeneDx
Classification: Uncertain significance. Last evaluated: 2022-08-09. Review status: criteria provided, single submitter. Criteria: GeneDx Variant Classification Process June 2021. Collection method: clinical testing. Allele origin: germline. Affected: yes.
Comment: In silico analysis supports that this missense variant has a deleterious effect on protein structure/function; Has not been previously published as pathogenic or benign to our knowledge

NM_001080414.4(CCDC88C):c.1235T>C (p.Leu412Pro)

Gene: CCDC88C (coiled-coil domain containing 88C; minus strand). Cytogenetic location: 14q32.11.
Variant type: single nucleotide variant.
Coding change: c.1235T>C on transcript NM_001080414.4 (MANE Select); coding-DNA position 1235, T replaced by C.
Protein change: p.Leu412Pro; replaces leucine 412 with proline.
Molecular consequence: missense variant.
Genome position (GRCh38, 1-based): chr14:91,324,886, A>G on the plus strand (T>C on the coding strand, the complement: CCDC88C is on the minus strand). VCF-style: chr14-91324886-A-G. GRCh37 (hg19) VCF-style: chr14-91791230-A-G.
Other names: p.Leu412Pro; short protein forms L412P.
Identifiers: ClinVar variation 2429549 (VCV002429549.2), dbSNP rs773903024, ClinGen allele CA7309955.